The following is an entry in ClinVar:

NM_000179.3(MSH6):c.3769T>C (p.Ser1257Pro)

Gene: MSH6 (mutS homolog 6; plus strand). Cytogenetic location: 2p16.3.
Variant type: single nucleotide variant.
Coding change: c.3769T>C on transcript NM_000179.3 (MANE Select); coding-DNA position 3769, T replaced by C.
Protein change: p.Ser1257Pro; replaces serine 1257 with proline.
Molecular consequence: missense variant. On other transcripts: non-coding transcript variant (5).
Genome position (GRCh38, 1-based): chr2:47,806,326, T>C. VCF-style: chr2-47806326-T-C. GRCh37 (hg19) VCF-style: chr2-48033465-T-C.
Other names: c.3379T>C, p.Ser1127Pro (NM_001281492.2); c.2863T>C, p.Ser955Pro (NM_001281493.2, NM_001281494.2, NM_001406811.1 and 6 more transcripts); c.3865T>C, p.Ser1289Pro (NM_001406795.1, NM_001406802.1); c.3769T>C, p.Ser1257Pro (NM_001406796.1, NM_001406800.1, NM_001406808.1 and 1 more transcripts); c.3472T>C, p.Ser1158Pro (NM_001406797.1, NM_001406801.1, NM_001406805.1 and 10 more transcripts); c.3595T>C, p.Ser1199Pro (NM_001406798.1); c.3244T>C, p.Ser1082Pro (NM_001406799.1, NM_001406806.1, NM_001406807.1); c.2905T>C, p.Ser969Pro (NM_001406803.1); and 7 more; short protein forms S1127P, S1199P, S572P, S1082P, S1231P, S1259P, S735P, S1158P.
Identifiers: ClinVar variation 3398934 (VCV003398934.1).

ClinVar aggregate classification (germline): Uncertain significance (1 of 4 stars; one submission).

Conditions:
Hereditary cancer-predisposing syndrome. Also called: Hereditary Cancer Syndrome; Tumor predisposition; Hereditary neoplastic syndrome; Neoplastic Syndromes, Hereditary. Identifiers: Orphanet 140162, MedGen C0027672, MeSH D009386, MONDO:0015356.

Submission:

Ambry Genetics
Classification: Uncertain significance for Hereditary cancer-predisposing syndrome. Last evaluated: 2024-09-30. Review status: criteria provided, single submitter. Criteria: Ambry Variant Classification Scheme 2023. Collection method: clinical testing. Allele origin: germline.
Comment: The p.S1257P variant (also known as c.3769T>C), located in coding exon 8 of the MSH6 gene, results from a T to C substitution at nucleotide position 3769. The serine at codon 1257 is replaced by proline, an amino acid with similar properties. This amino acid position is conserved. In addition, this alteration is predicted to be deleterious by in silico analysis. Based on the available evidence, the clinical significance of this variant remains unclear.